The following is an entry in ClinVar:

NM_004958.4(MTOR):c.6908T>C (p.Leu2303Pro)

Gene: MTOR (mechanistic target of rapamycin kinase; minus strand). Cytogenetic location: 1p36.22.
Variant type: single nucleotide variant.
Coding change: c.6908T>C on transcript NM_004958.4 (MANE Select); coding-DNA position 6908, T replaced by C.
Protein change: p.Leu2303Pro; replaces leucine 2303 with proline.
Molecular consequence: missense variant.
Genome position (GRCh38, 1-based): chr1:11,121,271, A>G on the plus strand (T>C on the coding strand, the complement: MTOR is on the minus strand). VCF-style: chr1-11121271-A-G. GRCh37 (hg19) VCF-style: chr1-11181328-A-G.
Other names: c.6908T>C, p.Leu2303Pro (NM_001386500.1); c.5660T>C, p.Leu1887Pro (NM_001386501.1); c.6908T>C (NM_004958.3); short protein forms L1887P, L2303P.
Identifiers: ClinVar variation 1475601 (VCV001475601.7), dbSNP rs2100356600, ClinGen allele CA338384958.

ClinVar aggregate classification (germline): Conflicting classifications of pathogenicity. Review status: criteria provided, conflicting classifications (1 of 4 stars). 2 submissions from 2 submitters: Uncertain significance (1); Likely benign (1). Last evaluated 2024-01-25.

Allele frequency attached by ClinVar (database versions not stated): gnomAD exomes below 0.00001.
gnomAD v4.1: 1 of 1,613,892 alleles (0.000062%); highest among the groups gnomAD compares: Non-Finnish European, 0.000085%; no homozygotes.

Submissions (2):

Labcorp Genetics (formerly Invitae), Labcorp
Classification: Likely benign. Last evaluated: 2024-01-25. Review status: criteria provided, single submitter. Criteria: Invitae Variant Classification Sherloc (09022015). Collection method: clinical testing. Allele origin: germline.

GeneDx
Classification: Uncertain significance. Last evaluated: 2023-08-30. Review status: criteria provided, single submitter. Criteria: GeneDx Variant Classification Process June 2021. Collection method: clinical testing. Allele origin: germline. Affected: yes.
Comment: Not observed at significant frequency in large population cohorts (gnomAD); In silico analysis supports that this missense variant has a deleterious effect on protein structure/function; Has not been previously published as pathogenic or benign to our knowledge